The following is an entry in ClinVar:

ClinVar aggregate classification (germline): Uncertain significance. Review status: criteria provided, multiple submitters, no conflicts (2 of 4 stars). 2 submissions from 2 submitters: Uncertain significance (2). Last evaluated 2023-07-22.

Conditions:
Kugelberg-Welander disease (SMA3). Also called: SPINAL MUSCULAR ATROPHY, TYPE III; KUGELBERG-WELANDER SYNDROME; MUSCULAR ATROPHY, JUVENILE; SMA III; SPINAL MUSCULAR ATROPHY, MILD CHILDHOOD AND ADOLESCENT FORM; Juvenile Spinal Muscular Atrophy. Identifiers: Orphanet 70, Orphanet 83419, MedGen C0152109, MONDO:0009672, OMIM 253400.
Spinal muscular atrophy (SMA). Identifiers: MedGen C0026847, MeSH D009134, MONDO:0001516, HP:0007269.

Submissions (2):

Neuberg Centre For Genomic Medicine, NCGM
Classification: Uncertain significance for Kugelberg-Welander disease. Last evaluated: 2023-07-22. Review status: criteria provided, single submitter. Criteria: ACMG Guidelines, 2015. Collection method: clinical testing. Allele origin: germline. Inheritance: Autosomal recessive inheritance. Affected: yes.
Comment: The observed missense c.841A>G p.Arg281Gly variant in SMN1 gene has not been previously reported as a pathogenic nor as a benign variant, to our knowledge. The p.Arg281Gly variant is absent in gnomAD exomes. This variant has been submitted to the ClinVar database as Uncertain Significance. Multiple lines of computational evidences SIFT- Damaging, MutationTaster - Disease causing predict a damaging effect on protein structure and function for this variant. The reference amino acid of p.Arg281Gly in SMN1 gene is predicted as conserved by GERP++ and PhyloP across 100 vertebrates. The amino acid Arg at position 281 is changed to a Gly changing protein sequence and it might alter its composition and physico-chemical properties. For these reasons, this variant has been classified as Variant of Uncertain Significance VUS.

Labcorp Genetics (formerly Invitae), Labcorp
Classification: Uncertain significance for Spinal muscular atrophy. Last evaluated: 2022-03-18. Review status: criteria provided, single submitter. Criteria: Invitae Variant Classification Sherloc (09022015). Collection method: clinical testing. Allele origin: germline.
Comment: This missense change has been observed in individual(s) with clinical features of spinal muscular atrophy (Invitae). In at least one individual the data is consistent with being in trans (on the opposite chromosome) from a pathogenic variant. In summary, the available evidence is currently insufficient to determine the role of this variant in disease. Therefore, it has been classified as a Variant of Uncertain Significance. Algorithms developed to predict the effect of missense changes on protein structure and function (SIFT, PolyPhen-2, Align-GVGD) all suggest that this variant is likely to be tolerated. The frequency data for this variant in the population databases (gnomAD) is considered unreliable due to the presence of homologous sequence, such as pseudogenes or paralogs, in the genome. This sequence change replaces arginine, which is basic and polar, with glycine, which is neutral and non-polar, at codon 281 of the SMN1 protein (p.Arg281Gly).

NM_000344.4(SMN1):c.841A>G (p.Arg281Gly)

Gene: SMN1 (survival of motor neuron 1, telomeric). Cytogenetic location: 5q13.2.
Variant type: single nucleotide variant.
Coding change: c.841A>G on transcript NM_000344.4 (MANE Select); coding-DNA position 841, A replaced by G.
Protein change: p.Arg281Gly; replaces arginine 281 with glycine.
Molecular consequence: missense variant. On other transcripts: intron variant (1).
Genome position (GRCh38, 1-based): chr5:70,951,947, A>G. VCF-style: chr5-70951947-A-G. GRCh37 (hg19) VCF-style: chr5-70247774-A-G.
Other names: c.745A>G, p.Arg249Gly (NM_022874.2); c.835-492A>G (NM_001297715.1); short protein forms R249G, R281G.
Identifiers: ClinVar variation 2113655 (VCV002113655.5), dbSNP rs1482083567, ClinGen allele CA360098145.